The following is an entry in ClinVar:

NM_007194.4(CHEK2):c.1151T>G (p.Leu384Ter)

Gene: CHEK2 (checkpoint kinase 2; minus strand). Cytogenetic location: 22q12.1.
Variant type: single nucleotide variant.
Coding change: c.1151T>G on transcript NM_007194.4 (MANE Select); coding-DNA position 1151, T replaced by G.
Protein change: p.Leu384Ter; replaces leucine 384 with a stop codon.
Molecular consequence: nonsense.
Genome position (GRCh38, 1-based): chr22:28,695,818, A>C on the plus strand (T>G on the coding strand, the complement: CHEK2 is on the minus strand). VCF-style: chr22-28695818-A-C. GRCh37 (hg19) VCF-style: chr22-29091806-A-C.
Other names: c.1280T>G, p.Leu427Ter (NM_001005735.3); c.488T>G, p.Leu163Ter (NM_001257387.3); c.950T>G, p.Leu317Ter (NM_001349956.3); c.1064T>G, p.Leu355Ter (NM_145862.3); short protein forms L163*, L355*, L384*, L317*, L427*.
Identifiers: ClinVar variation 3663513 (VCV003663513.2).

ClinVar aggregate classification (germline): Pathogenic (1 of 4 stars; one submission).

Conditions:
Familial cancer of breast. Also called: Hereditary breast cancer; hereditary breast carcinoma; BREAST CANCER, FAMILIAL. Identifiers: Orphanet 227535, MedGen C0346153, MONDO:0016419, OMIM 114480. Disease mechanism: loss of function.

Submission:

Labcorp Genetics (formerly Invitae), Labcorp
Classification: Pathogenic for Familial cancer of breast. Last evaluated: 2024-08-27. Review status: criteria provided, single submitter. Criteria: Invitae Variant Classification Sherloc (09022015). Collection method: clinical testing. Allele origin: germline.
Comment: This sequence change creates a premature translational stop signal (p.Leu384*) in the CHEK2 gene. It is expected to result in an absent or disrupted protein product. Loss-of-function variants in CHEK2 are known to be pathogenic (PMID: 21876083, 24713400). This variant is not present in population databases (gnomAD no frequency). This variant has not been reported in the literature in individuals affected with CHEK2-related conditions. For these reasons, this variant has been classified as Pathogenic.

Literature cited by the submitters: PubMed 21876083; PubMed 24713400.